The following is an entry in ClinVar:

NM_017780.4(CHD7):c.3086C>T (p.Pro1029Leu)

Gene: CHD7 (chromodomain helicase DNA binding protein 7; plus strand). Cytogenetic location: 8q12.2.
Variant type: single nucleotide variant.
Coding change: c.3086C>T on transcript NM_017780.4 (MANE Select); coding-DNA position 3086, C replaced by T.
Protein change: p.Pro1029Leu; replaces proline 1029 with leucine.
Molecular consequence: missense variant. On other transcripts: intron variant (1).
Genome position (GRCh38, 1-based): chr8:60,822,631, C>T. VCF-style: chr8-60822631-C-T. GRCh37 (hg19) VCF-style: chr8-61735190-C-T.
Other names: c.1717-39598C>T (NM_001316690.1); short protein forms P1029L.
Identifiers: ClinVar variation 4888400 (VCV004888400.3).
Genomic context (GRCh38, chr8:60,822,631, plus strand): 5'-AGATATATTTGAAAGGAATCCATGGCCCTTTTTTAGTAATTGCCCCATTGTCCACAATCC[C>T]CAACTGGGAAAGGGAATTCCGAACCTGGACAGAGTTGAACGTGGTTGTGTATCATGGGAG-3'
Protein context (NP_060250.2, residues 1019-1039): FLVIAPLSTI[Pro1029Leu]NWEREFRTWT

ClinVar aggregate classification (germline): Conflicting classifications of pathogenicity. Review status: criteria provided, conflicting classifications (1 of 4 stars). 2 submissions from 2 submitters: Likely pathogenic (1); Uncertain significance (1). Last evaluated 2024-05-09.

Conditions:
Hypogonadotropic hypogonadism 5 with or without anosmia (KAL5). Also called: HYPOGONADOTROPIC HYPOGONADISM 5 WITH ANOSMIA; HYPOGONADOTROPHIC HYPOGONADISM 5 WITHOUT ANOSMIA; CHD7-Related GnRH Deficiency (Kallmann Syndrome 5). Identifiers: Orphanet 478, MedGen C3552553, MONDO:0012880, OMIM 612370. Disease mechanism: loss of function.
CHD7-related CHARGE syndrome. Identifiers: MedGen CN380413, MONDO:1010178, OMIM 214800.

Submissions (2):

New York Genome Center
Classification: Likely pathogenic for CHD7-related CHARGE syndrome; Hypogonadotropic hypogonadism 5 with or without anosmia. Last evaluated: 2024-05-09. Review status: criteria provided, single submitter. Criteria: NYGC Assertion Criteria 2020. Collection method: clinical testing. Allele origin: de novo. Affected: yes. Observed: 1 variant allele, 1 heterozygote.
Comment: The de novo heterozygous c.3086C>T variant has not previously been reported in the literature or in variant repositories (ClinVar and HGMD) and is absent from gnomADv4.0.0 database suggesting it is not a common benign variant in the populations represented in those databases. The c.3086C>T variant is located in exon12 of this 38-exon gene and is predicted to replace an evolutionarily conserved proline amino acid with leucine at position 1029 [p.(Pro1029Leu)] in the Helicase Ndomain of the CHD7 gene [PMID:22461308]. In silico predictions are in favor of damaging effect for the p.(Pro1029Leu) variant (REVEL score = 0.703), however, there are no functional studies to support or refute these predictions. Variants affecting the adjacent amino acids [p.(Ile1028Val) and p.(Asn1030Ser)] have been reported in multiple individuals affected with CHARGE syndrome [PMID:15300250, 21041284], and deposited in the ClinVar database as a pathogenic/likely pathogenic [Variation IDs: 2022 and 279758]. Based on available evidence this heterozygous de novo c.3086C>T p.(Pro1029Leu) variant identified in CHD7 is classified as Likely Pathogenic.

Juno Genomics, Hangzhou Juno Genomics, Inc
Classification: Uncertain significance for CHD7-related CHARGE syndrome; Hypogonadotropic hypogonadism 5 with or without anosmia. Review status: criteria provided, single submitter. Criteria: ACMG Guidelines, 2015. Collection method: clinical testing. Allele origin: germline.
Comment: Missense variant in a gene that has a low rate of benign missense variation.;Multiple lines of computational evidence support a deleterious effect on the gene or gene product.;Absent from controls (or at extremely low frequency if recessive) in Genome Aggregation Database.